The following is an entry in ClinVar:

ClinVar aggregate classification (germline): Uncertain significance (1 of 4 stars; one submission).

Conditions:
Immunodeficiency. Identifiers: MedGen C0021051, MONDO:0021094, HP:0002721.

Allele frequency attached by ClinVar (database versions not stated): gnomAD exomes 0.00001.
gnomAD v4.1: 9 of 1,609,286 alleles (0.00056%); highest among the groups gnomAD compares: Non-Finnish European, 0.00076%; no homozygotes.

Submission:

Labcorp Genetics (formerly Invitae), Labcorp
Classification: Uncertain significance for Immunodeficiency. Last evaluated: 2020-06-22. Review status: criteria provided, single submitter. Criteria: Invitae Variant Classification Sherloc (09022015). Collection method: clinical testing. Allele origin: germline.
Comment: In summary, the available evidence is currently insufficient to determine the role of this variant in disease. Therefore, it has been classified as a Variant of Uncertain Significance. Algorithms developed to predict the effect of missense changes on protein structure and function (SIFT, PolyPhen-2, Align-GVGD) all suggest that this variant is likely to be tolerated, but these predictions have not been confirmed by published functional studies and their clinical significance is uncertain. This variant has not been reported in the literature in individuals with NFAT5-related conditions. This variant is not present in population databases (ExAC no frequency). This sequence change replaces methionine with valine at codon 192 of the NFAT5 protein (p.Met192Val). The methionine residue is moderately conserved and there is a small physicochemical difference between methionine and valine.

NM_138713.4(NFAT5):c.856A>G (p.Met286Val)

Gene: NFAT5 (nuclear factor of activated T cells 5; plus strand). Cytogenetic location: 16q22.1.
Variant type: single nucleotide variant.
Coding change: c.856A>G on transcript NM_138713.4 (MANE Select); coding-DNA position 856, A replaced by G.
Protein change: p.Met286Val; replaces methionine 286 with valine.
Molecular consequence: missense variant.
Genome position (GRCh38, 1-based): chr16:69,653,279, A>G. VCF-style: chr16-69653279-A-G. GRCh37 (hg19) VCF-style: chr16-69687182-A-G.
Other names: c.856A>G, p.Met286Val (NM_001113178.3); c.184A>G, p.Met62Val (NM_001367709.1); c.802A>G, p.Met268Val (NM_006599.4); c.574A>G, p.Met192Val (NM_138714.4, NM_173214.3, NM_173215.3); short protein forms M192V, M268V, M286V, M62V.
Identifiers: ClinVar variation 1026183 (VCV001026183.8), dbSNP rs2035750914, ClinGen allele CA396489165.